The following is an entry in ClinVar:

NM_000540.3(RYR1):c.4665C>T (p.Pro1555=)

Gene: RYR1 (ryanodine receptor 1; plus strand). Cytogenetic location: 19q13.2.
Variant type: single nucleotide variant.
Coding change: c.4665C>T on transcript NM_000540.3 (MANE Select); coding-DNA position 4665, C replaced by T.
Protein change: p.Pro1555=; no amino-acid change (proline 1555 retained).
Molecular consequence: synonymous variant.
Genome position (GRCh38, 1-based): chr19:38,483,071, C>T. VCF-style: chr19-38483071-C-T. GRCh37 (hg19) VCF-style: chr19-38973711-C-T.
Other names: c.4665C>T, p.Pro1555= (NM_001042723.2).
Identifiers: ClinVar variation 3074918 (VCV003074918.2), dbSNP rs764090645, ClinGen allele CA066352.
Genomic context (GRCh38, chr19:38,483,071, plus strand): 5'-TCTTCTCCTCTGCCAGGTGGAACCCAACACTAAGCTATTTCCTGCCGTCTTCGTCCTGCC[C>T]ACCCACCAGAACGTCATCCAGTTTGAGCTGGGGAAGCAGAAGGTACAAGTGCAGTGATGG-3'
Protein context (NP_000531.2, residues 1545-1565): TKLFPAVFVL[Pro1555=]THQNVIQFEL

ClinVar aggregate classification (germline): Likely benign. Review status: criteria provided, multiple submitters, no conflicts (2 of 4 stars). 2 submissions from 2 submitters: Likely benign (2). Last evaluated 2023-12-13.

Conditions:
Malignant hyperthermia, susceptibility to, 1 (MHS1). Also called: Anesthesia related hyperthermia; Malignant hyperpyrexia; Fulminating hyperpyrexia; Pharmacogenic myopathy; RYR1-Related Malignant Hyperthermia Susceptibility; Malignant hyperthermia suceptibility 1. Identifiers: Orphanet 423, MedGen C2930980, MONDO:0007783, OMIM 145600.

gnomAD v4.1: 2 of 1,614,138 alleles (0.00012%); highest among the groups gnomAD compares: Non-Finnish European, 0.00017%; no homozygotes.

Submissions (2):

All of Us Research Program, National Institutes of Health
Classification: Likely benign for Malignant hyperthermia, susceptibility to, 1. Last evaluated: 2023-12-13. Review status: criteria provided, single submitter. Criteria: ACMG Guidelines, 2015. Collection method: clinical testing. Allele origin: germline. Inheritance: Autosomal dominant inheritance. Observed: 1 variant allele, 1 heterozygote.
Comment: This study involves interpretation of variants in research participants for the purpose of population health screening. Participant phenotype was not available at the time of variant classification. Additional details can be found in publication PMID: 35346344, PMCID: PMC8962531

Color Diagnostics, LLC DBA Color Health
Classification: Likely benign for Malignant hyperthermia, susceptibility to, 1. Last evaluated: 2023-11-15. Review status: criteria provided, single submitter. Criteria: ACMG Guidelines, 2015. Collection method: clinical testing. Allele origin: germline.